The following is an entry in ClinVar:

ClinVar aggregate classification (germline): Likely benign. Review status: criteria provided, multiple submitters, no conflicts (2 of 4 stars). 4 submissions from 4 submitters: Likely benign (4). Last evaluated 2025-10-16.

Conditions:
Hereditary pheochromocytoma and paraganglioma. Also called: Hereditary paragangliomas and pheochromocytomas; Hereditary pheochromocytoma-paraganglioma; Hereditary Paraganglioma-Pheochromocytoma Syndromes. Identifiers: Orphanet 29072, MedGen C4274332, MONDO:0017366.
Pheochromocytoma/paraganglioma syndrome 1. Also called: SDHD-Related Hereditary Paraganglioma-Pheochromocytoma Syndrome; PARAGANGLIOMATA; PARAGANGLIOMAS, FAMILIAL NONCHROMAFFIN, 1; PGL 1; Paragangliomas familial 1; Paragangliomas 1. Identifiers: Orphanet 29072, MedGen C3494181, MONDO:0008192, OMIM 168000.
Cowden syndrome 3 (CWS3). Identifiers: Orphanet 201, MedGen CN166604, MONDO:0014045.
Paragangliomas with sensorineural hearing loss. Identifiers: MedGen C1868633.
Carney-Stratakis syndrome. Also called: PARAGANGLIOMA AND GASTROINTESTINAL STROMAL TUMOR. Identifiers: Orphanet 97286, MedGen C1847319, MONDO:0011740, OMIM 606864.
Pheochromocytoma. Also called: MAX-Related Hereditary Paraganglioma-Pheochromocytoma Syndrome. Identifiers: Orphanet 29072, MedGen C0031511, MONDO:0008233, OMIM 171300, HP:0002666.

Allele frequency attached by ClinVar (database versions not stated): gnomAD exomes below 0.00001.
gnomAD v4.1: 2 of 1,610,668 alleles (0.00012%); highest among the groups gnomAD compares: Non-Finnish European, 0.000085%; no homozygotes.

Submissions (4):

Labcorp Genetics (formerly Invitae), Labcorp
Classification: Likely benign for Carney-Stratakis syndrome; Paragangliomas with sensorineural hearing loss; Pheochromocytoma; Cowden syndrome 3. Last evaluated: 2025-10-16. Review status: criteria provided, single submitter. Criteria: Invitae Variant Classification Sherloc (09022015). Collection method: clinical testing. Allele origin: germline.

Myriad Genetics, Inc.
Classification: Likely benign for Pheochromocytoma/paraganglioma syndrome 1. Last evaluated: 2025-03-17. Review status: criteria provided, single submitter. Criteria: Myriad Autosomal Dominant, Autosomal Recessive and X-Linked Classification Criteria (2023). Collection method: clinical testing. Allele origin: unknown.
Comment: This variant is considered likely benign. This variant is intronic and is not expected to impact mRNA splicing.

All of Us Research Program, National Institutes of Health
Classification: Likely benign for Hereditary pheochromocytoma and paraganglioma. Last evaluated: 2023-10-02. Review status: criteria provided, single submitter. Criteria: ACMG Guidelines, 2015. Collection method: clinical testing. Allele origin: germline. Inheritance: Autosomal dominant inheritance. Observed: 1 variant allele, 1 heterozygote.
Comment: This study involves interpretation of variants in research participants for the purpose of population health screening. Participant phenotype was not available at the time of variant classification. Additional details can be found in publication PMID: 35346344, PMCID: PMC8962531

GeneDx
Classification: Likely benign. Last evaluated: 2018-05-25. Review status: criteria provided, single submitter. Criteria: GeneDx Variant Classification (06012015). Collection method: clinical testing. Allele origin: germline. Affected: yes.
Comment: This variant is considered likely benign or benign based on one or more of the following criteria: it is a conservative change, it occurs at a poorly conserved position in the protein, it is predicted to be benign by multiple in silico algorithms, and/or has population frequency not consistent with disease.

NM_003002.4(SDHD):c.315-8T>C

Gene: SDHD (succinate dehydrogenase complex subunit D; plus strand). Cytogenetic location: 11q23.1.
Variant type: single nucleotide variant.
Coding change: c.315-8T>C on transcript NM_003002.4 (MANE Select); 8 bases into the intron before coding-DNA position 315, T replaced by C.
Molecular consequence: intron variant.
Genome position (GRCh38, 1-based): chr11:112,094,797, T>C. VCF-style: chr11-112094797-T-C. GRCh37 (hg19) VCF-style: chr11-111965521-T-C.
Other names: c.13-8T>C (NM_001276506.2); c.170-8T>C (NM_001276503.2); c.198-8T>C (NM_001276504.2).
Identifiers: ClinVar variation 669120 (VCV000669120.13), dbSNP rs1592786101, ClinGen allele CA915947748.